The following is an entry in ClinVar:

ClinVar aggregate classification (germline): Conflicting classifications of pathogenicity. Review status: criteria provided, conflicting classifications (1 of 4 stars). 3 submissions from 3 submitters: Uncertain significance (2); Likely benign (1). Last evaluated 2024-10-07.

Conditions:
Amelocerebrohypohidrotic syndrome (KTZS). Also called: Kohlschutter's syndrome; EPILEPSY AND YELLOW TEETH; EPILEPSY, DEMENTIA, AND AMELOGENESIS IMPERFECTA; KOHLSCHUTTER SYNDROME. Identifiers: Orphanet 1946, MedGen C0406740, MONDO:0009185, OMIM 226750.

Allele frequency attached by ClinVar (database versions not stated): ExAC below 0.00001; gnomAD 0.00001; gnomAD exomes 0.00003 and 0.00004; TOPMed 0.00003; 1000 Genomes Project 30x 0.00016; 1000 Genomes Project 0.00020.
gnomAD v4.1: 38 of 1,564,202 alleles (0.0024%); highest among the groups gnomAD compares: East Asian, 0.0092%; no homozygotes.

Submissions (3):

Women's Health and Genetics/Laboratory Corporation of America, LabCorp
Classification: Uncertain significance. Last evaluated: 2024-10-07. Review status: criteria provided, single submitter. Criteria: LabCorp Variant Classification Summary - May 2015. Collection method: clinical testing. Allele origin: germline.
Comment: Variant summary: ROGDI c.514G>A (p.Ala172Thr) results in a non-conservative amino acid change in the encoded protein sequence. Three of five in-silico tools predict a damaging effect of the variant on protein function. The variant allele was found at a frequency of 4.5e-05 in 179772 control chromosomes. The available data on variant occurrences in the general population are insufficient to allow any conclusion about variant significance. c.514G>A has been reported in the literature in an individual from an epilepsy/seizure disorder cohort study (e.g., ATLI_2022). This report does not provide unequivocal conclusions about association of the variant with Amelocerebrohypohidrotic Syndrome. To our knowledge, no experimental evidence demonstrating an impact on protein function has been reported. The following publication has been ascertained in the context of this evaluation (PMID: 33528079). ClinVar contains an entry for this variant (Variation ID: 835502). Based on the evidence outlined above, the variant was classified as uncertain significance.

CeGaT Center for Human Genetics Tuebingen
Classification: Likely benign. Last evaluated: 2022-05-01. Review status: criteria provided, single submitter. Criteria: CeGaT Center For Human Genetics Tuebingen Variant Classification Criteria Version 2. Collection method: clinical testing. Allele origin: germline. Affected: yes. Observed: 1 variant allele.
Comment: ROGDI: BP1

Labcorp Genetics (formerly Invitae), Labcorp
Classification: Uncertain significance for Amelocerebrohypohidrotic syndrome. Last evaluated: 2022-03-23. Review status: criteria provided, single submitter. Criteria: Invitae Variant Classification Sherloc (09022015). Collection method: clinical testing. Allele origin: germline.
Comment: This sequence change replaces alanine, which is neutral and non-polar, with threonine, which is neutral and polar, at codon 172 of the ROGDI protein (p.Ala172Thr). The frequency data for this variant in the population databases is considered unreliable, as metrics indicate poor data quality at this position in the gnomAD database. This variant has not been reported in the literature in individuals affected with ROGDI-related conditions. ClinVar contains an entry for this variant (Variation ID: 835502). Algorithms developed to predict the effect of missense changes on protein structure and function (SIFT, PolyPhen-2, Align-GVGD) all suggest that this variant is likely to be tolerated. In summary, the available evidence is currently insufficient to determine the role of this variant in disease. Therefore, it has been classified as a Variant of Uncertain Significance.

Literature cited by the submitters: PubMed 33528079 (cited by Women's Health and Genetics/Laboratory Corporation of America, LabCorp).

NM_024589.3(ROGDI):c.514G>A (p.Ala172Thr)

Gene: ROGDI (rogdi atypical leucine zipper; minus strand). Cytogenetic location: 16p13.3.
Variant type: single nucleotide variant.
Coding change: c.514G>A on transcript NM_024589.3 (MANE Select); coding-DNA position 514, G replaced by A.
Protein change: p.Ala172Thr; replaces alanine 172 with threonine.
Molecular consequence: missense variant. On other transcripts: non-coding transcript variant (1).
Genome position (GRCh38, 1-based): chr16:4,798,586, C>T on the plus strand (G>A on the coding strand, the complement: ROGDI is on the minus strand). VCF-style: chr16-4798586-C-T. GRCh37 (hg19) VCF-style: chr16-4848587-C-T.
Other names: short protein forms A172T.
Identifiers: ClinVar variation 835502 (VCV000835502.38), dbSNP rs201213891, ClinGen allele CA7882686.